The following is an entry in ClinVar:

NM_004068.4(AP2M1):c.394T>A (p.Phe132Ile)

Gene: AP2M1 (adaptor related protein complex 2 subunit mu 1; plus strand). Cytogenetic location: 3q27.1.
Variant type: single nucleotide variant.
Coding change: c.394T>A on transcript NM_004068.4 (MANE Select); coding-DNA position 394, T replaced by A.
Protein change: p.Phe132Ile; replaces phenylalanine 132 with isoleucine.
Molecular consequence: missense variant.
Genome position (GRCh38, 1-based): chr3:184,180,222, T>A. VCF-style: chr3-184180222-T-A. GRCh37 (hg19) VCF-style: chr3-183898010-T-A.
Other names: c.394T>A, p.Phe132Ile (NM_001025205.2); c.469T>A, p.Phe157Ile (NM_001311198.2); short protein forms F157I, F132I.
Identifiers: ClinVar variation 2845730 (VCV002845730.3), dbSNP rs2473721952, ClinGen allele CA355423042.

ClinVar aggregate classification (germline): Uncertain significance (1 of 4 stars; one submission).

Submission:

Labcorp Genetics (formerly Invitae), Labcorp
Classification: Uncertain significance. Last evaluated: 2023-10-28. Review status: criteria provided, single submitter. Criteria: Invitae Variant Classification Sherloc (09022015). Collection method: clinical testing. Allele origin: germline.
Comment: This sequence change replaces phenylalanine, which is neutral and non-polar, with isoleucine, which is neutral and non-polar, at codon 132 of the AP2M1 protein (p.Phe132Ile). This variant is not present in population databases (gnomAD no frequency). This variant has not been reported in the literature in individuals affected with AP2M1-related conditions. An algorithm developed to predict the effect of missense changes on protein structure and function (PolyPhen-2) suggests that this variant is likely to be tolerated. In summary, the available evidence is currently insufficient to determine the role of this variant in disease. Therefore, it has been classified as a Variant of Uncertain Significance.